The following is an entry in ClinVar:

NM_000127.3(EXT1):c.318C>A (p.Phe106Leu)

Gene: EXT1 (exostosin glycosyltransferase 1; minus strand). Cytogenetic location: 8q24.11.
Variant type: single nucleotide variant.
Coding change: c.318C>A on transcript NM_000127.3 (MANE Select); coding-DNA position 318, C replaced by A.
Protein change: p.Phe106Leu; replaces phenylalanine 106 with leucine.
Molecular consequence: missense variant.
Genome position (GRCh38, 1-based): chr8:118,110,729, G>T on the plus strand (C>A on the coding strand, the complement: EXT1 is on the minus strand). VCF-style: chr8-118110729-G-T. GRCh37 (hg19) VCF-style: chr8-119122968-G-T.
Other names: short protein forms F106L.
Identifiers: ClinVar variation 1023773 (VCV001023773.8), dbSNP rs1817884143, ClinGen allele CA371916118.

ClinVar aggregate classification (germline): Uncertain significance (1 of 4 stars; one submission).

Conditions:
Multiple congenital exostosis (EXT). Also called: Hereditary multiple osteochondromas; Multiple osteochondromas; Hereditary multiple exostoses; Hereditary multiple exostosis; MULTIPLE CARTILAGINOUS EXOSTOSES; Multiple exostoses. Identifiers: Orphanet 321, MedGen C0015306, MONDO:0005508, HP:0002762.

Submission:

Labcorp Genetics (formerly Invitae), Labcorp
Classification: Uncertain significance for Multiple congenital exostosis. Last evaluated: 2022-12-02. Review status: criteria provided, single submitter. Criteria: Invitae Variant Classification Sherloc (09022015). Collection method: clinical testing. Allele origin: germline.
Comment: This variant is not present in population databases (gnomAD no frequency). In summary, the available evidence is currently insufficient to determine the role of this variant in disease. Therefore, it has been classified as a Variant of Uncertain Significance. Advanced modeling of protein sequence and biophysical properties (such as structural, functional, and spatial information, amino acid conservation, physicochemical variation, residue mobility, and thermodynamic stability) performed at Invitae indicates that this missense variant is not expected to disrupt EXT1 protein function. ClinVar contains an entry for this variant (Variation ID: 1023773). This variant has not been reported in the literature in individuals affected with EXT1-related conditions. This sequence change replaces phenylalanine, which is neutral and non-polar, with leucine, which is neutral and non-polar, at codon 106 of the EXT1 protein (p.Phe106Leu).